The following is an entry in ClinVar:

ClinVar aggregate classification (germline): Benign/Likely benign. Review status: criteria provided, multiple submitters, no conflicts (2 of 4 stars). 5 submissions from 5 submitters: Benign (2); Likely benign (2). 1 of the submissions does not count toward it. Last evaluated 2025-09-01.

Conditions:
PRR12-related disorder. Also called: PRR12-related condition.

Allele frequency attached by ClinVar (database versions not stated): 1000 Genomes Project 0.00080; TOPMed 0.00135; 1000 Genomes Project 30x 0.00141; gnomAD exomes 0.00150; gnomAD 0.00152 and 0.00158; ExAC 0.00190; ESP Exome Variant Server 0.00201.
gnomAD v4.1: 3,649 of 1,612,270 alleles (0.23%); highest among the groups gnomAD compares: Non-Finnish European, 0.29%; 6 homozygotes.

Submissions (5):

CeGaT Center for Human Genetics Tuebingen
Classification: Likely benign. Last evaluated: 2025-09-01. Review status: criteria provided, single submitter. Criteria: CeGaT Center For Human Genetics Tuebingen Variant Classification Criteria Version 2. Collection method: clinical testing. Allele origin: germline. Affected: yes. Observed: 2 variant alleles.
Comment: PRR12: BS1

Blueprint Genetics
Classification: Likely benign. Last evaluated: 2024-11-06. Review status: criteria provided, single submitter. Criteria: ACMG Guidelines, 2015. Collection method: clinical testing. Allele origin: germline.

Labcorp Genetics (formerly Invitae), Labcorp
Classification: Benign. Last evaluated: 2019-12-31. Review status: criteria provided, single submitter. Criteria: Invitae Variant Classification Sherloc (09022015). Collection method: clinical testing. Allele origin: germline.

Breakthrough Genomics
Classification: Benign. Review status: criteria provided, single submitter. Criteria: ACMG Guidelines, 2015. Collection method: not provided. Allele origin: germline. Inheritance: Autosomal dominant inheritance. Affected: yes.

PreventionGenetics, part of Exact Sciences
Classification: Likely benign for PRR12-related condition. Last evaluated: 2023-11-09. Review status: no assertion criteria provided. Collection method: clinical testing. Allele origin: germline. Not counted in ClinVar's aggregate classification.
Comment: This variant is classified as likely benign based on ACMG/AMP sequence variant interpretation guidelines (Richards et al. 2015 PMID: 25741868, with internal and published modifications).

NM_020719.3(PRR12):c.235G>A (p.Ala79Thr)

Gene: PRR12 (proline rich 12; plus strand). Cytogenetic location: 19q13.33.
Variant type: single nucleotide variant.
Coding change: c.235G>A on transcript NM_020719.3 (MANE Select); coding-DNA position 235, G replaced by A.
Protein change: p.Ala79Thr; replaces alanine 79 with threonine.
Molecular consequence: missense variant.
Genome position (GRCh38, 1-based): chr19:49,594,489, G>A. VCF-style: chr19-49594489-G-A. GRCh37 (hg19) VCF-style: chr19-50097746-G-A.
Other names: short protein forms A79T.
Identifiers: ClinVar variation 774961 (VCV000774961.15), dbSNP rs73058047, ClinGen allele CA9577585.